The following is an entry in ClinVar:

NM_001429.4(EP300):c.4934_4939del (p.Arg1645_Ala1647delinsPro)

Gene: EP300 (EP300 lysine acetyltransferase; plus strand). Cytogenetic location: 22q13.2.
Variant type: Deletion.
Coding change: c.4934_4939del on transcript NM_001429.4 (MANE Select); coding-DNA positions 4934 to 4939, 6 bases deleted (GAAGAG; older notation c.4934_4939delGAAGAG).
Protein change: p.Arg1645_Ala1647delinsPro.
Molecular consequence: inframe indel.
Genome position (GRCh38, 1-based): chr22:41,176,401-41,176,406, GAAGAG deleted. VCF-style (leftmost placement, unchanged base first): chr22-41176400-CGAAGAG-C. GRCh37 (hg19) VCF-style: chr22-41572404-CGAAGAG-C.
Other names: c.4934_4939delGAAGAG (NM_001429.4); c.4856_4861del, p.Arg1619_Ala1621delinsPro (NM_001362843.2).
Identifiers: ClinVar variation 2637456 (VCV002637456.5), dbSNP rs2517831125, ClinGen allele CA2695200122.

ClinVar aggregate classification (germline): Uncertain significance. Review status: criteria provided, multiple submitters, no conflicts (2 of 4 stars). 2 submissions from 2 submitters: Uncertain significance (2). Last evaluated 2024-12-24.

Conditions:
Rubinstein-Taybi syndrome due to EP300 haploinsufficiency. Also called: EP300-Related Rubinstein-Taybi Syndrome; RUBINSTEIN-TAYBI SYNDROME 2. Identifiers: Orphanet 353284, Orphanet 783, MedGen C3150941, MONDO:0013364, OMIM 613684.

Submissions (2):

Women's Health and Genetics/Laboratory Corporation of America, LabCorp
Classification: Uncertain significance. Last evaluated: 2024-12-24. Review status: criteria provided, single submitter. Criteria: LabCorp Variant Classification Summary - May 2015. Collection method: clinical testing. Allele origin: germline.
Comment: Variant summary: EP300 c.4934_4939delGAAGAG (p.Arg1645_Ala1647delinsPro) results in an in-frame deletion-insertion that is predicted to delete 2 amino acids from the protein and insert one amino acid. The variant was absent in 251476 control chromosomes (gnomAD). The available data on variant occurrences in the general population are insufficient to allow any conclusion about variant significance. To our knowledge, no occurrence of c.4934_4939delGAAGAG in individuals affected with Rubinstein-Taybi Syndrome 2 and no experimental evidence demonstrating its impact on protein function have been reported. ClinVar contains an entry for this variant (Variation ID: 2637456). Based on the evidence outlined above, the variant was classified as uncertain significance.

Labcorp Genetics (formerly Invitae), Labcorp
Classification: Uncertain significance for Rubinstein-Taybi syndrome due to EP300 haploinsufficiency. Last evaluated: 2023-05-29. Review status: criteria provided, single submitter. Criteria: Invitae Variant Classification Sherloc (09022015). Collection method: clinical testing. Allele origin: germline.
Comment: Experimental studies and prediction algorithms are not available or were not evaluated, and the functional significance of this variant is currently unknown. In summary, the available evidence is currently insufficient to determine the role of this variant in disease. Therefore, it has been classified as a Variant of Uncertain Significance. Algorithms developed to predict the effect of sequence changes on RNA splicing suggest that this variant may create or strengthen a splice site. This variant has not been reported in the literature in individuals affected with EP300-related conditions. This variant is not present in population databases (gnomAD no frequency). This variant, c.4934_4939del, is a complex sequence change that results in the deletion of 3 and insertion of 1 amino acid(s) in the EP300 protein (p.Arg1645_Ala1647delinsPro).